The following is an entry in ClinVar:

ClinVar aggregate classification (germline): Likely benign (1 of 4 stars; one submission).

gnomAD v4.1: 11 of 1,595,460 alleles (0.00069%); highest among the groups gnomAD compares: Non-Finnish European, 0.00094%; no homozygotes.

Submission:

CeGaT Center for Human Genetics Tuebingen
Classification: Likely benign. Last evaluated: 2025-02-01. Review status: criteria provided, single submitter. Criteria: CeGaT Center For Human Genetics Tuebingen Variant Classification Criteria Version 2. Collection method: clinical testing. Allele origin: germline. Affected: yes. Observed: 1 variant allele.
Comment: INSRR: BP4

NM_014215.3(INSRR):c.909G>C (p.Gln303His)

Genes: INSRR (insulin receptor related receptor; minus strand), NTRK1 (neurotrophic receptor tyrosine kinase 1; plus strand). Cytogenetic location: 1q23.1.
Variant type: single nucleotide variant.
Coding change: c.909G>C on transcript NM_014215.3 (MANE Select); coding-DNA position 909, G replaced by C.
Protein change: p.Gln303His; replaces glutamine 303 with histidine.
Molecular consequence: missense variant. On other transcripts: intron variant (1).
Genome position (GRCh38, 1-based): chr1:156,851,920, C>G on the plus strand (G>C on the coding strand, the complement: INSRR is on the minus strand). VCF-style: chr1-156851920-C-G. GRCh37 (hg19) VCF-style: chr1-156821712-C-G.
Other names: c.122+9727C>G (NM_001007792.1); short protein forms Q303H.
Identifiers: ClinVar variation 3772225 (VCV003772225.13).
Genomic context (GRCh38, chr1:156,851,920, plus strand): 5'-GGGTGCCCCCCACCCTCCCTACACTCACCTGCTGCTATTACGGGTGAAGCCAGAAGGGCA[C>G]TGGGCCAGGCAACTGCCCTGGTGTATGCCGAAGGTGGAGGCACGGCCGGGCACAGAGTGC-3'
Protein context (NP_055030.1, residues 293-313): FGIHQGSCLA[Gln303His]CPSGFTRNSS